The following is an entry in ClinVar:

ClinVar aggregate classification (germline): Pathogenic (1 of 4 stars; one submission).

Conditions:
Neurofibromatosis, type 1 (NF1). Also called: Neurofibromatosis, type I; VON RECKLINGHAUSEN DISEASE; Peripheral type neurofibromatosis; NEUROFIBROMATOSIS, TYPE I, SOMATIC. Identifiers: Orphanet 636, MedGen C0027831, MONDO:0018975, OMIM 162200. Disease mechanism: loss of function.

Submission:

Labcorp Genetics (formerly Invitae), Labcorp
Classification: Pathogenic for Neurofibromatosis, type 1. Last evaluated: 2023-08-18. Review status: criteria provided, single submitter. Criteria: Invitae Variant Classification Sherloc (09022015). Collection method: clinical testing. Allele origin: germline.
Comment: For these reasons, this variant has been classified as Pathogenic. ClinVar contains an entry for this variant (Variation ID: 847979). This variant has not been reported in the literature in individuals affected with NF1-related conditions. This variant is not present in population databases (gnomAD no frequency). This sequence change creates a premature translational stop signal (p.Glu1356Aspfs*29) in the NF1 gene. It is expected to result in an absent or disrupted protein product. Loss-of-function variants in NF1 are known to be pathogenic (PMID: 10712197, 23913538).

Literature cited by the submitters: PubMed 10712197; PubMed 23913538.

NM_001042492.3(NF1):c.4068del (p.Glu1356fs)

Gene: NF1 (neurofibromin 1; plus strand). Cytogenetic location: 17q11.2.
Variant type: Deletion.
Coding change: c.4068del on transcript NM_001042492.3 (MANE Select); coding-DNA position 4068, one base deleted (A; older notation c.4068delA).
Protein change: p.Glu1356fs; shifts the reading frame from glutamic acid 1356.
Molecular consequence: frameshift variant.
Genome position (GRCh38, 1-based): chr17:31,249,077, A deleted; the last of 2 consecutive A bases (chr17:31,249,076-31,249,077); deleting either gives the same sequence. VCF-style (leftmost placement, unchanged base first): chr17-31249075-GA-G. GRCh37 (hg19) VCF-style: chr17-29576093-GA-G.
Other names: c.4068delA, p.Glu1356Aspfs (NM_000267.4); short protein forms E1356fs.
Identifiers: ClinVar variation 847979 (VCV000847979.6), dbSNP rs2067450430, ClinGen allele CA916080641.